The following is an entry in ClinVar:

NM_002473.6(MYH9):c.1481G>A (p.Arg494His)

Gene: MYH9 (myosin heavy chain 9; minus strand). Cytogenetic location: 22q12.3.
Variant type: single nucleotide variant.
Coding change: c.1481G>A on transcript NM_002473.6 (MANE Select); coding-DNA position 1481, G replaced by A.
Protein change: p.Arg494His; replaces arginine 494 with histidine.
Molecular consequence: missense variant.
Genome position (GRCh38, 1-based): chr22:36,314,218, C>T on the plus strand (G>A on the coding strand, the complement: MYH9 is on the minus strand). VCF-style: chr22-36314218-C-T. GRCh37 (hg19) VCF-style: chr22-36710263-C-T.
Other names: c.1481G>A (NM_002473.4); short protein forms R494H.
Identifiers: ClinVar variation 1899201 (VCV001899201.6), dbSNP rs1166441183, ClinGen allele CA411400879.

ClinVar aggregate classification (germline): Uncertain significance. Review status: criteria provided, multiple submitters, no conflicts (2 of 4 stars). 2 submissions from 2 submitters: Uncertain significance (2). Last evaluated 2025-08-14.

Conditions:
Inborn genetic diseases. Identifiers: MedGen C0950123, MeSH D030342.

Allele frequency attached by ClinVar (database versions not stated): gnomAD exomes below 0.00001; TOPMed below 0.00001.
gnomAD v4.1: 5 of 1,614,236 alleles (0.00031%); highest among the groups gnomAD compares: Admixed American, 0.0017%; no homozygotes.

Submissions (2):

Ambry Genetics
Classification: Uncertain significance for Inborn genetic diseases. Last evaluated: 2025-08-14. Review status: criteria provided, single submitter. Criteria: Ambry Variant Classification Scheme 2023. Collection method: clinical testing. Allele origin: germline.

Labcorp Genetics (formerly Invitae), Labcorp
Classification: Uncertain significance. Last evaluated: 2024-12-19. Review status: criteria provided, single submitter. Criteria: Invitae Variant Classification Sherloc (09022015). Collection method: clinical testing. Allele origin: germline.
Comment: This sequence change replaces arginine, which is basic and polar, with histidine, which is basic and polar, at codon 494 of the MYH9 protein (p.Arg494His). This variant is present in population databases (no rsID available, gnomAD 0.003%). This variant has not been reported in the literature in individuals affected with MYH9-related conditions. ClinVar contains an entry for this variant (Variation ID: 1899201). Invitae Evidence Modeling of protein sequence and biophysical properties (such as structural, functional, and spatial information, amino acid conservation, physicochemical variation, residue mobility, and thermodynamic stability) has been performed for this missense variant. However, the output from this modeling did not meet the statistical confidence thresholds required to predict the impact of this variant on MYH9 protein function. In summary, the available evidence is currently insufficient to determine the role of this variant in disease. Therefore, it has been classified as a Variant of Uncertain Significance.